The following is an entry in ClinVar:

ClinVar aggregate classification (germline): Conflicting classifications of pathogenicity. Review status: criteria provided, conflicting classifications (1 of 4 stars). 4 submissions from 3 submitters: Uncertain significance (1); Likely benign (3). Last evaluated 2025-10-23.

Conditions:
Dystonia 5 (DRD). Also called: DYSTONIA, PROGRESSIVE, WITH DIURNAL VARIATION; DYSTONIA-PARKINSONISM WITH DIURNAL FLUCTUATION; DYT-GCH1; GTP Cyclohydrolase 1-Deficient Dopa-Responsive Dystonia; Dystonia, DOPA-responsive, with or without hyperphenylalaninemia. Identifiers: Orphanet 98808, MedGen C1851920, MONDO:0007495, OMIM 128230.
GTP cyclohydrolase I deficiency. Identifiers: MedGen C0268467, MONDO:0100184.

Allele frequency attached by ClinVar (database versions not stated): ExAC 0.00002; gnomAD exomes 0.00003 and 0.00007; TOPMed 0.00006; gnomAD 0.00007.
gnomAD v4.1: 114 of 1,612,984 alleles (0.0071%); highest among the groups gnomAD compares: Non-Finnish European, 0.0091%; no homozygotes.

Submissions (4):

Labcorp Genetics (formerly Invitae), Labcorp
Classification: Likely benign for GTP cyclohydrolase I deficiency; Dystonia 5. Last evaluated: 2025-10-23. Review status: criteria provided, single submitter. Criteria: Invitae Variant Classification Sherloc (09022015). Collection method: clinical testing. Allele origin: germline.

Blueprint Genetics
Classification: Likely benign. Last evaluated: 2024-11-08. Review status: criteria provided, single submitter. Criteria: ACMG Guidelines, 2015. Collection method: clinical testing. Allele origin: germline.

Illumina Laboratory Services, Illumina
Classification: Uncertain significance for GTP cyclohydrolase I deficiency with hyperphenylalaninemia. Last evaluated: 2018-01-12. Review status: criteria provided, single submitter. Criteria: ICSL Variant Classification Criteria 13 December 2019. Collection method: clinical testing. Allele origin: germline.

Illumina Laboratory Services, Illumina
Classification: Likely benign for Dystonia 5. Last evaluated: 2018-01-12. Review status: criteria provided, single submitter. Criteria: ICSL Variant Classification Criteria 13 December 2019. Collection method: clinical testing. Allele origin: germline.
Comment: This variant was observed in the ICSL laboratory as part of a predisposition screen in an ostensibly healthy population. It had not been previously curated by ICSL or reported in the Human Gene Mutation Database (HGMD: prior to June 1st, 2018), and was therefore a candidate for classification through an automated scoring system. Utilizing variant allele frequency, disease prevalence and penetrance estimates, and inheritance mode, an automated score was calculated to assess if this variant is too frequent to cause the disease. Based on the score and internal cut-off values, a variant classified as likely benign is not then subjected to further curation. The score for this variant resulted in a classification of likely benign for this disease.

NM_000161.3(GCH1):c.297C>T (p.Ala99=)

Gene: GCH1 (GTP cyclohydrolase 1; minus strand). Cytogenetic location: 14q22.2.
Variant type: single nucleotide variant.
Coding change: c.297C>T on transcript NM_000161.3 (MANE Select); coding-DNA position 297, C replaced by T.
Protein change: p.Ala99=; no amino-acid change (alanine 99 retained).
Molecular consequence: synonymous variant.
Genome position (GRCh38, 1-based): chr14:54,902,367, G>A on the plus strand (C>T on the coding strand, the complement: GCH1 is on the minus strand). VCF-style: chr14-54902367-G-A. GRCh37 (hg19) VCF-style: chr14-55369085-G-A.
Other names: c.297C>T, p.Ala99= (NM_001024024.2, NM_001024070.2, NM_001024071.2).
Identifiers: ClinVar variation 313396 (VCV000313396.16), dbSNP rs776450369, ClinGen allele CA7193642.
Genomic context (GRCh38, chr14:54,902,367, plus strand): 5'-GCGGGCGCACTGACCTGAGATGGTCTCCTGGTAGCCCTTGGTGAAGAACTGCATGGCCGA[G>A]GCCGCCCTCCAGGGCGTCTTGAGCAGCCCTTGCCGCTGGGGGTTCTCGCCCAGCGAGCTC-3'
Protein context (NP_000152.1, residues 89-109): QGLLKTPWRA[Ala99=]SAMQFFTKGY